The following is an entry in ClinVar:

ClinVar aggregate classification (germline): Uncertain significance (1 of 4 stars; one submission).

Conditions:
Cardiovascular phenotype. Identifiers: MedGen CN230736.

Submission:

Ambry Genetics
Classification: Uncertain significance for Cardiovascular phenotype. Last evaluated: 2022-11-19. Review status: criteria provided, single submitter. Criteria: Ambry Variant Classification Scheme 2023. Collection method: clinical testing. Allele origin: germline.
Comment: The p.N501I variant (also known as c.1502A>T), located in coding exon 10 of the LMF1 gene, results from an A to T substitution at nucleotide position 1502. The asparagine at codon 501 is replaced by isoleucine, an amino acid with dissimilar properties. This amino acid position is conserved. In addition, this alteration is predicted to be tolerated by in silico analysis. Since supporting evidence is limited at this time, the clinical significance of this alteration remains unclear.

NM_022773.4(LMF1):c.1502A>T (p.Asn501Ile)

Gene: LMF1 (lipase maturation factor 1; minus strand). Cytogenetic location: 16p13.3.
Variant type: single nucleotide variant.
Coding change: c.1502A>T on transcript NM_022773.4 (MANE Select); coding-DNA position 1502, A replaced by T.
Protein change: p.Asn501Ile; replaces asparagine 501 with isoleucine.
Molecular consequence: missense variant. On other transcripts: non-coding transcript variant (1).
Genome position (GRCh38, 1-based): chr16:868,971, T>A on the plus strand (A>T on the coding strand, the complement: LMF1 is on the minus strand). VCF-style: chr16-868971-T-A. GRCh37 (hg19) VCF-style: chr16-918971-T-A.
Other names: c.851A>T, p.Asn284Ile (NM_001352017.2, NM_001352021.2); c.1103A>T, p.Asn368Ile (NM_001352018.2); c.1175A>T, p.Asn392Ile (NM_001352019.2); c.1422A>T, p.Gln474His (NM_001352020.1); short protein forms N368I, N284I, N392I, N501I, Q474H.
Identifiers: ClinVar variation 2451791 (VCV002451791.2), dbSNP rs768541855, ClinGen allele CA276574039.